The following is an entry in ClinVar:

ClinVar aggregate classification (germline): Pathogenic/Likely pathogenic. Review status: criteria provided, multiple submitters, no conflicts (2 of 4 stars). 5 submissions from 5 submitters: Pathogenic (1); Likely pathogenic (3). 1 of the submissions does not count toward it. Last evaluated 2026-02-27.

Conditions:
MOCS2-related disorder. Also called: MOCS2-related condition.
Sulfite oxidase deficiency due to molybdenum cofactor deficiency type B1 (MOCODB1). Also called: Molybdenum cofactor deficiency B; Molybdenum cofactor deficiency, complementation group B; Sulfite oxidase deficiency due to molybdenum cofactor deficiency type B; MOLYBDENUM COFACTOR DEFICIENCY, TYPE B1. Identifiers: Orphanet 308393, Orphanet 833, MedGen C6065887, MONDO:0009644, OMIM 252160.

Allele frequency attached by ClinVar (database versions not stated): gnomAD 0.00001; TOPMed 0.00001; gnomAD exomes 0.00006; ExAC 0.00007.
gnomAD v4.1: 24 of 1,612,796 alleles (0.0015%); highest among the groups gnomAD compares: Admixed American, 0.038%; no homozygotes.

Submissions (5):

PreventionGenetics, part of Exact Sciences
Classification: Likely pathogenic for MOCS2-related condition. Last evaluated: 2026-02-27. Review status: criteria provided, single submitter. Criteria: ACMG Guidelines, 2015. Collection method: clinical testing. Allele origin: germline.
Comment: The MOCS2 c.567A>C variant is predicted to result in extension of the open reading frame (p.*189Tyrext*18). This variant, also described in the literature as X189Y, has been reported in the homozygous state in an individual with molybdenum cofactor deficiency (Leimkühler et al. 2005. PubMed ID: 16021469). In vitro experimental studies using E. coli complementation assays, MPT synthase activity assays, size exclusion chromatography, and substrate binding assays suggest this variant impacts enzyme activity and disrupts protein interactions with MOCS2A and precursor Z substrate (Leimkühler et al. 2005. PubMed ID: 16021469). This variant is reported in 0.048% of alleles in individuals of Latino descent in gnomAD. This variant is interpreted as likely pathogenic.

Labcorp Genetics (formerly Invitae), Labcorp
Classification: Likely pathogenic. Last evaluated: 2026-01-12. Review status: criteria provided, single submitter. Criteria: Invitae Variant Classification Sherloc (09022015). Collection method: clinical testing. Allele origin: germline.
Comment: This sequence change disrupts the translational stop signal of the MOCS2B mRNA. It is expected to extend the length of the MOCS2B protein by 18 additional amino acid residues. This variant is present in population databases (rs121908609, gnomAD 0.05%). This protein extension has been observed in individual(s) with clinical features of molybdenum cofactor deficiency (PMID: 16021469; internal data). This variant is also known as X189Y. ClinVar contains an entry for this variant (Variation ID: 6115). Algorithms developed to predict the effect of variants on gene product structure and function are not available or were not evaluated for this variant. Experimental studies have shown that this protein extension affects MOCS2B function (PMID: 16021469). In summary, the currently available evidence indicates that the variant is pathogenic, but additional data are needed to prove that conclusively. Therefore, this variant has been classified as Likely Pathogenic.

GeneDx
Classification: Pathogenic. Last evaluated: 2025-09-21. Review status: criteria provided, single submitter. Criteria: GeneDx Variant Classification Process June 2021. Collection method: clinical testing. Allele origin: germline. Affected: yes.
Comment: Stop codon loss and change to a tyrosine codon, leading to protein extension and the addition of 18 amino acids at the C-terminus; Published functional studies demonstrate that the extended protein created by this variant is functionally deleterious (PMID: 16021469); Reported using an alternate transcript of the gene; This variant is associated with the following publications: (PMID: 16021469)

Fulgent Genetics
Classification: Likely pathogenic for Sulfite oxidase deficiency due to molybdenum cofactor deficiency type B1. Last evaluated: 2024-03-19. Review status: criteria provided, single submitter. Criteria: ACMG Guidelines, 2015. Collection method: clinical testing. Allele origin: germline.

OMIM
Classification: Pathogenic for MOLYBDENUM COFACTOR DEFICIENCY, TYPE B1. Last evaluated: 2005-10-01. Review status: no assertion criteria provided. Collection method: literature only. Allele origin: germline. Not counted in ClinVar's aggregate classification.

Literature cited by the submitters: PubMed 16021469 (cited by Labcorp Genetics (formerly Invitae), Labcorp and OMIM).

NM_004531.5(MOCS2):c.567A>C (p.Ter189Tyr)

Gene: MOCS2 (molybdenum cofactor synthesis 2; minus strand). Cytogenetic location: 5q11.2.
Variant type: single nucleotide variant.
Coding change: c.567A>C on transcript NM_004531.5 (MANE Select); coding-DNA position 567, A replaced by C.
Protein change: p.Ter189Tyr.
Molecular consequence: stop lost. On other transcripts: 3 prime UTR variant (1).
Genome position (GRCh38, 1-based): chr5:53,098,602, T>G on the plus strand (A>C on the coding strand, the complement: MOCS2 is on the minus strand). VCF-style: chr5-53098602-T-G. GRCh37 (hg19) VCF-style: chr5-52394432-T-G.
Other names: *189Y; c.*487A>C (NM_176806.4); c.567A>C (NM_004531.4).
Identifiers: ClinVar variation 6115 (VCV000006115.13), dbSNP rs121908609, ClinGen allele CA117950.